The following is an entry in ClinVar:

ClinVar aggregate classification (germline): Uncertain significance (1 of 4 stars; one submission).

Allele frequency attached by ClinVar (database versions not stated): gnomAD exomes 0.00001 and 0.00003; TOPMed 0.00001; gnomAD 0.00003.
gnomAD v4.1: 23 of 1,545,872 alleles (0.0015%); highest among the groups gnomAD compares: East Asian, 0.0025%; no homozygotes.

Submission:

Labcorp Genetics (formerly Invitae), Labcorp
Classification: Uncertain significance. Last evaluated: 2022-10-31. Review status: criteria provided, single submitter. Criteria: Invitae Variant Classification Sherloc (09022015). Collection method: clinical testing. Allele origin: germline.
Comment: This sequence change replaces arginine, which is basic and polar, with tryptophan, which is neutral and slightly polar, at codon 194 of the SLC30A10 protein (p.Arg194Trp). The frequency data for this variant in the population databases is considered unreliable, as metrics indicate poor data quality at this position in the gnomAD database. This variant has not been reported in the literature in individuals affected with SLC30A10-related conditions. ClinVar contains an entry for this variant (Variation ID: 1496336). Advanced modeling of protein sequence and biophysical properties (such as structural, functional, and spatial information, amino acid conservation, physicochemical variation, residue mobility, and thermodynamic stability) performed at Invitae indicates that this missense variant is not expected to disrupt SLC30A10 protein function. In summary, the available evidence is currently insufficient to determine the role of this variant in disease. Therefore, it has been classified as a Variant of Uncertain Significance.

NM_018713.3(SLC30A10):c.580C>T (p.Arg194Trp)

Gene: SLC30A10 (solute carrier family 30 member 10; minus strand). Cytogenetic location: 1q41.
Variant type: single nucleotide variant.
Coding change: c.580C>T on transcript NM_018713.3 (MANE Select); coding-DNA position 580, C replaced by T.
Protein change: p.Arg194Trp; replaces arginine 194 with tryptophan.
Molecular consequence: missense variant. On other transcripts: non-coding transcript variant (1), intron variant (1).
Genome position (GRCh38, 1-based): chr1:219,927,861, G>A on the plus strand (C>T on the coding strand, the complement: SLC30A10 is on the minus strand). VCF-style: chr1-219927861-G-A. GRCh37 (hg19) VCF-style: chr1-220101203-G-A.
Other names: c.452-756C>T (NM_001376929.1); short protein forms R194W.
Identifiers: ClinVar variation 1496336 (VCV001496336.3), dbSNP rs1258197136, ClinGen allele CA344733346.
Genomic context (GRCh38, chr1:219,927,861, plus strand): 5'-CTGCTACGTTTGCGAACACGGTCGCCCCCTTCTCCCGCTTCCTTTCCACCGAGGTCCCCC[G>A]GAGGGTTACGGCCGAGTCCGAGCCTGGGGCTGTCGGGTCCGCCGCGCGCCGCGGGTCCTC-3'
Protein context (NP_061183.2, residues 184-204): APGSDSAVTL[Arg194Trp]GTSVERKREK